The following is an entry in ClinVar:

ClinVar aggregate classification (germline): Uncertain significance. Review status: criteria provided, multiple submitters, no conflicts (2 of 4 stars). 2 submissions from 2 submitters: Uncertain significance (2). Last evaluated 2026-04-01.

Conditions:
Immunodeficiency 14 (IMD14A). Also called: ACTIVATED PI3K-DELTA SYNDROME 1; IMMUNODEFICIENCY 14A WITH LYMPHOPROLIFERATION, AUTOSOMAL DOMINANT; Activated PI3K Delta Syndrome Type 1 (APDS1); p110-DELTA-ACTIVATING MUTATION CAUSING SENESCENT T CELLS, LYMPHADENOPATHY, AND IMMUNODEFICIENCY. Identifiers: Orphanet 397596, Orphanet 693661, MedGen C5907821, MONDO:0014222, OMIM 615513.

Allele frequency attached by ClinVar (database versions not stated): ExAC 0.00002; TOPMed 0.00001; gnomAD exomes 0.00001.

Submissions (2):

GeneDx
Classification: Uncertain significance. Last evaluated: 2026-04-01. Review status: criteria provided, single submitter. Criteria: GeneDx Variant Classification Process June 2021. Collection method: clinical testing. Allele origin: germline.
Comment: Identified in a cohort of patients with inborn errors of immunity and classified as a variant of uncertain significance in published literature (PMID: 40706702); Not observed at significant frequency in large population cohorts (gnomAD); In silico analysis suggests that this missense variant does not alter protein structure/function; This variant is associated with the following publications: (PMID: 40706702)

Labcorp Genetics (formerly Invitae), Labcorp
Classification: Uncertain significance for Activated PI3K-delta syndrome. Last evaluated: 2025-08-25. Review status: criteria provided, single submitter. Criteria: Invitae Variant Classification Sherloc (09022015). Collection method: clinical testing. Allele origin: germline.
Comment: This sequence change replaces arginine, which is basic and polar, with glutamine, which is neutral and polar, at codon 188 of the PIK3CD protein (p.Arg188Gln). This variant is present in population databases (rs748146002, gnomAD 0.002%). This variant has not been reported in the literature in individuals affected with PIK3CD-related conditions. ClinVar contains an entry for this variant (Variation ID: 1046968). Invitae Evidence Modeling of protein sequence and biophysical properties (such as structural, functional, and spatial information, amino acid conservation, physicochemical variation, residue mobility, and thermodynamic stability) indicates that this missense variant is not expected to disrupt PIK3CD protein function with a negative predictive value of 80%. In summary, the available evidence is currently insufficient to determine the role of this variant in disease. Therefore, it has been classified as a Variant of Uncertain Significance.

NM_005026.5(PIK3CD):c.563G>A (p.Arg188Gln)

Gene: PIK3CD (phosphatidylinositol-4,5-bisphosphate 3-kinase catalytic subunit delta; plus strand). Cytogenetic location: 1p36.22.
Variant type: single nucleotide variant.
Coding change: c.563G>A on transcript NM_005026.5 (MANE Select); coding-DNA position 563, G replaced by A.
Protein change: p.Arg188Gln; replaces arginine 188 with glutamine.
Molecular consequence: missense variant.
Genome position (GRCh38, 1-based): chr1:9,716,041, G>A. VCF-style: chr1-9716041-G-A. GRCh37 (hg19) VCF-style: chr1-9776099-G-A.
Other names: c.563G>A, p.Arg188Gln (NM_001350234.2, NM_001350235.1); c.563G>A (NM_005026.3); short protein forms R188Q.
Identifiers: ClinVar variation 1046968 (VCV001046968.8), dbSNP rs748146002, ClinGen allele CA576903.
Genomic context (GRCh38, chr1:9,716,041, plus strand): 5'-CCCTGCAGCTGGAGCCCTCGGCTCAAACCTGGGGGCCTGGTACCCTGCGGCTCCCGAACC[G>A]GGCCCTTCTGGTCAACGTTAAGTTTGAGGGCAGCGAGGTGAGCCCATGCGTGGCCTGCGG-3'
Protein context (NP_005017.3, residues 178-198): WGPGTLRLPN[Arg188Gln]ALLVNVKFEG